The following is an entry in ClinVar:

NM_031229.4(RBCK1):c.732G>T (p.Glu244Asp)

Gene: RBCK1 (RANBP2-type and C3HC4-type zinc finger containing 1; plus strand). Cytogenetic location: 20p13.
Variant type: single nucleotide variant.
Coding change: c.732G>T on transcript NM_031229.4 (MANE Select); coding-DNA position 732, G replaced by T.
Protein change: p.Glu244Asp; replaces glutamic acid 244 with aspartic acid.
Molecular consequence: missense variant. On other transcripts: non-coding transcript variant (1).
Genome position (GRCh38, 1-based): chr20:419,707, G>T. VCF-style: chr20-419707-G-T. GRCh37 (hg19) VCF-style: chr20-400351-G-T.
Other names: c.383G>T, p.Arg128Met (NM_001323956.2, NM_001323958.2); c.783G>T, p.Glu261Asp (NM_001410770.1); c.606G>T, p.Glu202Asp (NM_006462.6); short protein forms E244D, R128M, E202D, E261D.
Identifiers: ClinVar variation 1940074 (VCV001940074.3), dbSNP rs1319218096, ClinGen allele CA407926119.

ClinVar aggregate classification (germline): Uncertain significance (1 of 4 stars; one submission).

Conditions:
Polyglucosan body myopathy type 1 (PGBM1). Also called: Polyglucosan body myopathy 1 with or without immunodeficiency; POLYGLUCOSAN BODY MYOPATHY WITHOUT IMMUNODEFICIENCY. Identifiers: Orphanet 329173, Orphanet 397937, MedGen C4014605, MONDO:0014389, OMIM 615895.

Allele frequency attached by ClinVar (database versions not stated): TOPMed below 0.00001; gnomAD 0.00003; 1000 Genomes Project 30x 0.00016.
gnomAD v4.1: 29 of 1,566,716 alleles (0.0019%); highest among the groups gnomAD compares: African/African-American, 0.0027%; no homozygotes.

Submission:

Labcorp Genetics (formerly Invitae), Labcorp
Classification: Uncertain significance for Polyglucosan body myopathy type 1. Last evaluated: 2022-06-28. Review status: criteria provided, single submitter. Criteria: Invitae Variant Classification Sherloc (09022015). Collection method: clinical testing. Allele origin: germline.
Comment: Algorithms developed to predict the effect of missense changes on protein structure and function are either unavailable or do not agree on the potential impact of this missense change (SIFT: "Not Available"; PolyPhen-2: "Benign"; Align-GVGD: "Not Available"). In summary, the available evidence is currently insufficient to determine the role of this variant in disease. Therefore, it has been classified as a Variant of Uncertain Significance. This variant has not been reported in the literature in individuals affected with RBCK1-related conditions. The frequency data for this variant in the population databases is considered unreliable, as metrics indicate poor data quality at this position in the gnomAD database. This sequence change replaces glutamic acid, which is acidic and polar, with aspartic acid, which is acidic and polar, at codon 244 of the RBCK1 protein (p.Glu244Asp).